The following is an entry in ClinVar:

ClinVar aggregate classification (germline): Uncertain significance (1 of 4 stars; one submission).

Conditions:
Hereditary cancer-predisposing syndrome. Also called: Neoplastic Syndromes, Hereditary; Hereditary Cancer Syndrome; Tumor predisposition; Hereditary neoplastic syndrome. Identifiers: Orphanet 140162, MedGen C0027672, MeSH D009386, MONDO:0015356.

Submission:

Ambry Genetics
Classification: Uncertain significance for Hereditary cancer-predisposing syndrome. Last evaluated: 2025-01-08. Review status: criteria provided, single submitter. Criteria: Ambry Variant Classification Scheme 2023. Collection method: clinical testing. Allele origin: germline.
Comment: The p.E2140D variant (also known as c.6420G>C), located in coding exon 46 of the POLE gene, results from a G to C substitution at nucleotide position 6420. The glutamic acid at codon 2140 is replaced by aspartic acid, an amino acid with highly similar properties. This amino acid position is conserved. In addition, this alteration is predicted to be tolerated by in silico analysis. Based on the available evidence, the clinical significance of this variant remains unclear.

NM_006231.4(POLE):c.6420G>C (p.Glu2140Asp)

Gene: POLE (DNA polymerase epsilon, catalytic subunit; minus strand). Cytogenetic location: 12q24.33.
Variant type: single nucleotide variant.
Coding change: c.6420G>C on transcript NM_006231.4 (MANE Select); coding-DNA position 6420, G replaced by C.
Protein change: p.Glu2140Asp; replaces glutamic acid 2140 with aspartic acid.
Molecular consequence: missense variant.
Genome position (GRCh38, 1-based): chr12:132,626,228, C>G on the plus strand (G>C on the coding strand, the complement: POLE is on the minus strand). VCF-style: chr12-132626228-C-G. GRCh37 (hg19) VCF-style: chr12-133202814-C-G.
Other names: short protein forms E2140D.
Identifiers: ClinVar variation 3781554 (VCV003781554.1).